The following is an entry in ClinVar:

ClinVar aggregate classification (germline): Likely benign (0 of 4 stars; one submission).

Conditions:
NANS-related disorder. Also called: NANS-related condition.

Allele frequency attached by ClinVar (database versions not stated): gnomAD 0.00001; gnomAD exomes 0.00001; ExAC 0.00003; TOPMed 0.00003.
gnomAD v4.1: 18 of 1,614,048 alleles (0.0011%); highest among the groups gnomAD compares: East Asian, 0.027%; no homozygotes.

Submission:

PreventionGenetics, part of Exact Sciences
Classification: Likely benign for NANS-related condition. Last evaluated: 2019-02-21. Review status: no assertion criteria provided. Collection method: clinical testing. Allele origin: germline.
Comment: This variant is classified as likely benign based on ACMG/AMP sequence variant interpretation guidelines (Richards et al. 2015 PMID: 25741868, with internal and published modifications).

NM_018946.4(NANS):c.924A>G (p.Thr308=)

Genes: NANS (N-acetylneuraminate synthase; plus strand), TRIM14 (tripartite motif containing 14; minus strand). Cytogenetic location: 9q22.33.
Variant type: single nucleotide variant.
Coding change: c.924A>G on transcript NM_018946.4 (MANE Select); coding-DNA position 924, A replaced by G.
Protein change: p.Thr308=; no amino-acid change (threonine 308 retained).
Molecular consequence: synonymous variant.
Genome position (GRCh38, 1-based): chr9:98,082,899, A>G. VCF-style: chr9-98082899-A-G. GRCh37 (hg19) VCF-style: chr9-100845181-A-G.
Identifiers: ClinVar variation 3047496 (VCV003047496.2), dbSNP rs771389656, ClinGen allele CA5150445.